The following is an entry in ClinVar:

NM_015001.3(SPEN):c.4904C>T (p.Pro1635Leu)

Gene: SPEN (spen family transcriptional repressor; plus strand). Cytogenetic location: 1p36.13.
Variant type: single nucleotide variant.
Coding change: c.4904C>T on transcript NM_015001.3 (MANE Select); coding-DNA position 4904, C replaced by T.
Protein change: p.Pro1635Leu; replaces proline 1635 with leucine.
Molecular consequence: missense variant.
Genome position (GRCh38, 1-based): chr1:15,931,144, C>T. VCF-style: chr1-15931144-C-T. GRCh37 (hg19) VCF-style: chr1-16257639-C-T.
Other names: short protein forms P1635L.
Identifiers: ClinVar variation 3322149 (VCV003322149.2).

ClinVar aggregate classification (germline): Uncertain significance. Review status: criteria provided, multiple submitters, no conflicts (2 of 4 stars). 2 submissions from 2 submitters: Uncertain significance (2). Last evaluated 2024-03-25.

Conditions:
Inborn genetic diseases. Identifiers: MedGen C0950123, MeSH D030342.

gnomAD v4.1: 1 of 1,614,230 alleles (0.000062%); highest among the groups gnomAD compares: Non-Finnish European, 0.000085%; no homozygotes.

Submissions (2):

Ambry Genetics
Classification: Uncertain significance for Inborn genetic diseases. Last evaluated: 2024-03-25. Review status: criteria provided, single submitter. Criteria: Ambry Variant Classification Scheme 2023. Collection method: clinical testing. Allele origin: germline.

GeneDx
Classification: Uncertain significance. Last evaluated: 2024-02-19. Review status: criteria provided, single submitter. Criteria: GeneDx Variant Classification Process June 2021. Collection method: clinical testing. Allele origin: germline. Affected: yes.
Comment: Not observed at significant frequency in large population cohorts (gnomAD); In silico analysis supports that this missense variant does not alter protein structure/function; Has not been previously published as pathogenic or benign to our knowledge